The following is an entry in ClinVar:

NM_014334.4(FRRS1L):c.602G>A (p.Arg201His)

Gene: FRRS1L (ferric chelate reductase 1 like; minus strand). Cytogenetic location: 9q31.3.
Variant type: single nucleotide variant.
Coding change: c.602G>A on transcript NM_014334.4 (MANE Select); coding-DNA position 602, G replaced by A.
Protein change: p.Arg201His; replaces arginine 201 with histidine.
Molecular consequence: missense variant.
Genome position (GRCh38, 1-based): chr9:109,141,450, C>T on the plus strand (G>A on the coding strand, the complement: FRRS1L is on the minus strand). VCF-style: chr9-109141450-C-T. GRCh37 (hg19) VCF-style: chr9-111903730-C-T.
Other names: short protein forms R201H.
Identifiers: ClinVar variation 565887 (VCV000565887.8), dbSNP rs574642289, ClinGen allele CA5177366.

ClinVar aggregate classification (germline): Uncertain significance (1 of 4 stars; one submission).

Conditions:
Developmental and epileptic encephalopathy, 37 (DEE37). Also called: Epileptic encephalopathy, early infantile, 37. Identifiers: MedGen C4310770, MONDO:0014859, OMIM 616981.

Allele frequency attached by ClinVar (database versions not stated): gnomAD exomes below 0.00001 and 0.00001; ExAC 0.00001; gnomAD 0.00003.

Submission:

Labcorp Genetics (formerly Invitae), Labcorp
Classification: Uncertain significance for Developmental and epileptic encephalopathy, 37. Last evaluated: 2021-09-01. Review status: criteria provided, single submitter. Criteria: Invitae Variant Classification Sherloc (09022015). Collection method: clinical testing. Allele origin: germline.
Comment: This sequence change replaces arginine with histidine at codon 252 of the FRRS1L protein (p.Arg252His). The arginine residue is highly conserved and there is a small physicochemical difference between arginine and histidine. This variant is present in population databases (rs574642289, ExAC 0.006%). This variant has not been reported in the literature in individuals affected with FRRS1L-related conditions. Algorithms developed to predict the effect of missense changes on protein structure and function are either unavailable or do not agree on the potential impact of this missense change (SIFT: "Tolerated"; PolyPhen-2: "Probably Damaging"; Align-GVGD: "Class C0"). In summary, the available evidence is currently insufficient to determine the role of this variant in disease. Therefore, it has been classified as a Variant of Uncertain Significance.